The following is an entry in ClinVar:

NM_144701.3(IL23R):c.246A>C (p.Lys82Asn)

Gene: IL23R (interleukin 23 receptor; plus strand). Cytogenetic location: 1p31.3.
Variant type: single nucleotide variant.
Coding change: c.246A>C on transcript NM_144701.3 (MANE Select); coding-DNA position 246, A replaced by C.
Protein change: p.Lys82Asn; replaces lysine 82 with asparagine.
Molecular consequence: missense variant.
Genome position (GRCh38, 1-based): chr1:67,169,517, A>C. VCF-style: chr1-67169517-A-C. GRCh37 (hg19) VCF-style: chr1-67635200-A-C.
Other names: short protein forms K82N.
Identifiers: ClinVar variation 1383183 (VCV001383183.6), dbSNP rs1646915405, ClinGen allele CA340732491.

ClinVar aggregate classification (germline): Uncertain significance (1 of 4 stars; one submission).

Allele frequency attached by ClinVar (database versions not stated): TOPMed below 0.00001.

Submission:

Labcorp Genetics (formerly Invitae), Labcorp
Classification: Uncertain significance. Last evaluated: 2023-11-27. Review status: criteria provided, single submitter. Criteria: Invitae Variant Classification Sherloc (09022015). Collection method: clinical testing. Allele origin: germline.
Comment: This sequence change replaces lysine, which is basic and polar, with asparagine, which is neutral and polar, at codon 82 of the IL23R protein (p.Lys82Asn). This variant is not present in population databases (gnomAD no frequency). This variant has not been reported in the literature in individuals affected with IL23R-related conditions. ClinVar contains an entry for this variant (Variation ID: 1383183). An algorithm developed to predict the effect of missense changes on protein structure and function (PolyPhen-2) suggests that this variant is likely to be disruptive. In summary, the available evidence is currently insufficient to determine the role of this variant in disease. Therefore, it has been classified as a Variant of Uncertain Significance.